The following is an entry in ClinVar:

NM_001999.4(FBN2):c.1430G>T (p.Gly477Val)

Gene: FBN2 (fibrillin 2; minus strand). Cytogenetic location: 5q23.3.
Variant type: single nucleotide variant.
Coding change: c.1430G>T on transcript NM_001999.4 (MANE Select); coding-DNA position 1430, G replaced by T.
Protein change: p.Gly477Val; replaces glycine 477 with valine.
Molecular consequence: missense variant.
Genome position (GRCh38, 1-based): chr5:128,393,170, C>A on the plus strand (G>T on the coding strand, the complement: FBN2 is on the minus strand). VCF-style: chr5-128393170-C-A. GRCh37 (hg19) VCF-style: chr5-127728863-C-A.
Other names: short protein forms G477V.
Identifiers: ClinVar variation 5021637 (VCV005021637.1).

ClinVar aggregate classification (germline): Uncertain significance (1 of 4 stars; one submission).

Conditions:
Familial thoracic aortic aneurysm and aortic dissection (TAAD). Also called: Thoracic aortic aneurysms and dissections. Identifiers: Orphanet 91387, MedGen C4707243, MONDO:0019625.

Submission:

Ambry Genetics
Classification: Uncertain significance for Familial thoracic aortic aneurysm and aortic dissection. Last evaluated: 2026-08-16. Review status: criteria provided, single submitter. Criteria: Ambry Variant Classification Scheme 2023. Collection method: clinical testing. Allele origin: germline.
Comment: The p.G477V variant (also known as c.1430G>T), located in coding exon 10 of the FBN2 gene, results from a G to T substitution at nucleotide position 1430. The glycine at codon 477 is replaced by valine, an amino acid with dissimilar properties. This amino acid position is conserved. In addition, the in silico prediction for this alteration is inconclusive. Based on the available evidence, the clinical significance of this variant remains unclear.